The following is an entry in ClinVar:

ClinVar aggregate classification (germline): Likely pathogenic (1 of 4 stars; one submission).

Submission:

Labcorp Genetics (formerly Invitae), Labcorp
Classification: Likely pathogenic. Last evaluated: 2021-07-30. Review status: criteria provided, single submitter. Criteria: Invitae Variant Classification Sherloc (09022015). Collection method: clinical testing. Allele origin: germline.
Comment: This variant is not present in population databases (ExAC no frequency). In summary, the currently available evidence indicates that the variant is pathogenic, but additional data are needed to prove that conclusively. Therefore, this variant has been classified as Likely Pathogenic. This variant disrupts the p.Arg299 amino acid residue in EIF2B5. Other variant(s) that disrupt this residue have been determined to be pathogenic (PMID: 11704758, 14993275, 18005052, 21560189, 22699478, 29995139). This suggests that this residue is clinically significant, and that variants that disrupt this residue are likely to be disease-causing. Advanced modeling of protein sequence and biophysical properties (such as structural, functional, and spatial information, amino acid conservation, physicochemical variation, residue mobility, and thermodynamic stability) performed at Invitae indicates that this missense variant is expected to disrupt EIF2B5 protein function. This variant has not been reported in the literature in individuals affected with EIF2B5-related conditions. This sequence change replaces arginine with leucine at codon 299 of the EIF2B5 protein (p.Arg299Leu). The arginine residue is moderately conserved and there is a moderate physicochemical difference between arginine and leucine.

Literature cited by the submitters: PubMed 11704758; PubMed 14993275; PubMed 18005052; PubMed 21560189; PubMed 22699478; PubMed 29995139.

NM_003907.3(EIF2B5):c.896G>T (p.Arg299Leu)

Gene: EIF2B5 (eukaryotic translation initiation factor 2B subunit epsilon; plus strand). Cytogenetic location: 3q27.1.
Variant type: single nucleotide variant.
Coding change: c.896G>T on transcript NM_003907.3 (MANE Select); coding-DNA position 896, G replaced by T.
Protein change: p.Arg299Leu; replaces arginine 299 with leucine.
Molecular consequence: missense variant.
Genome position (GRCh38, 1-based): chr3:184,140,470, G>T. VCF-style: chr3-184140470-G-T. GRCh37 (hg19) VCF-style: chr3-183858258-G-T.
Other names: short protein forms R299L.
Identifiers: ClinVar variation 1495252 (VCV001495252.6), dbSNP rs113994060, ClinGen allele CA355384896.